The following is an entry in ClinVar:

NM_000642.3(AGL):c.458C>G (p.Ser153Ter)

Gene: AGL (amylo-alpha-1,6-glucosidase and 4-alpha-glucanotransferase; plus strand). Cytogenetic location: 1p21.2.
Variant type: single nucleotide variant.
Coding change: c.458C>G on transcript NM_000642.3 (MANE Select); coding-DNA position 458, C replaced by G.
Protein change: p.Ser153Ter; replaces serine 153 with a stop codon.
Molecular consequence: nonsense. On other transcripts: intron variant (1).
Genome position (GRCh38, 1-based): chr1:99,862,421, C>G. VCF-style: chr1-99862421-C-G. GRCh37 (hg19) VCF-style: chr1-100327977-C-G.
Other names: c.458C>G, p.Ser153Ter (NM_000028.3, NM_000643.3, NM_000644.3 and 5 more transcripts); c.410C>G, p.Ser137Ter (NM_000646.3); c.83-1965C>G (NM_001425332.1); short protein forms S137*, S153*.
Identifiers: ClinVar variation 3374993 (VCV003374993.1).

ClinVar aggregate classification (germline): Pathogenic (1 of 4 stars; one submission).

Conditions:
Glycogen storage disease type III (GSD3). Also called: FORBES DISEASE; Cori disease. Identifiers: Orphanet 366, MedGen C0017922, MONDO:0009291, OMIM 232400.

Submission:

Women's Health and Genetics/Laboratory Corporation of America, LabCorp
Classification: Pathogenic for Glycogen storage disease type III. Last evaluated: 2024-09-09. Review status: criteria provided, single submitter. Criteria: LabCorp Variant Classification Summary - May 2015. Collection method: clinical testing. Allele origin: germline.
Comment: Variant summary: AGL c.458C>G (p.Ser153X) results in a premature termination codon, predicted to cause a truncation of the encoded protein or absence of the protein due to nonsense mediated decay, which are commonly known mechanisms for disease. The variant was absent in 251474 control chromosomes. To our knowledge, no occurrence of c.458C>G in individuals affected with Glycogen Storage Disease Type III and no experimental evidence demonstrating its impact on protein function have been reported. ClinVar contains an entry for a variant with the same protein change resulting from a different nucleotide change (Variation ID: 983784). Based on the evidence outlined above, the variant was classified as pathogenic.